The following is an entry in ClinVar:

ClinVar aggregate classification (germline): Uncertain significance (1 of 4 stars; one submission).

Allele frequency attached by ClinVar (database versions not stated): ExAC 0.00001; gnomAD 0.00001; gnomAD exomes 0.00011.
gnomAD v4.1: 155 of 1,610,470 alleles (0.0096%); highest among the groups gnomAD compares: Non-Finnish European, 0.013%; no homozygotes.

Submission:

Labcorp Genetics (formerly Invitae), Labcorp
Classification: Uncertain significance. Last evaluated: 2025-08-28. Review status: criteria provided, single submitter. Criteria: Invitae Variant Classification Sherloc (09022015). Collection method: clinical testing. Allele origin: germline.
Comment: This sequence change replaces glutamine, which is neutral and polar, with lysine, which is basic and polar, at codon 978 of the MECOM protein (p.Gln978Lys). This variant is present in population databases (rs769501020, gnomAD 0.007%). This variant has not been reported in the literature in individuals affected with MECOM-related conditions. ClinVar contains an entry for this variant (Variation ID: 2725665). An algorithm developed to predict the effect of missense changes on protein structure and function (PolyPhen-2) suggests that this variant is likely to be tolerated. In summary, the available evidence is currently insufficient to determine the role of this variant in disease. Therefore, it has been classified as a Variant of Uncertain Significance.

NM_004991.4(MECOM):c.3496C>A (p.Gln1166Lys)

Gene: MECOM (MDS1 and EVI1 complex locus; minus strand). Cytogenetic location: 3q26.2.
Variant type: single nucleotide variant.
Coding change: c.3496C>A on transcript NM_004991.4 (MANE Select); coding-DNA position 3496, C replaced by A.
Protein change: p.Gln1166Lys; replaces glutamine 1166 with lysine.
Molecular consequence: missense variant.
Genome position (GRCh38, 1-based): chr3:169,089,089, G>T on the plus strand (C>A on the coding strand, the complement: MECOM is on the minus strand). VCF-style: chr3-169089089-G-T. GRCh37 (hg19) VCF-style: chr3-168806877-G-T.
Other names: c.3127C>A, p.Gln1043Lys (NM_001105077.4); c.2932C>A, p.Gln978Lys (NM_001105078.4, NM_001205194.2, NM_001366469.2 and 1 more transcripts); c.2908C>A, p.Gln970Lys (NM_001163999.2, NM_001366470.2); c.2905C>A, p.Gln969Lys (NM_001164000.2, NM_001366471.2, NM_001366472.2); c.3469C>A, p.Gln1157Lys (NM_001366466.2); c.2935C>A, p.Gln979Lys (NM_001366467.2, NM_001366468.2); c.2497C>A, p.Gln833Lys (NM_001366473.2); c.1933C>A, p.Gln645Lys (NM_001366474.2); short protein forms Q1043K, Q1166K, Q978K, Q979K, Q645K, Q969K, Q970K, Q1157K.
Identifiers: ClinVar variation 2725665 (VCV002725665.3), dbSNP rs769501020, ClinGen allele CA2695882.